The following is an entry in ClinVar:

ClinVar aggregate classification (germline): Pathogenic (1 of 4 stars; one submission).

Submission:

Quest Diagnostics Nichols Institute San Juan Capistrano
Classification: Pathogenic. Last evaluated: 2022-05-11. Review status: criteria provided, single submitter. Criteria: ACMG/ClinGen CNV Guidelines, 2019. Collection method: clinical testing. Allele origin: unknown.
Comment: This deletion interval involves multiple exons of the 5' portion of NRXN1 (OMIM 600565) gene. Biallelic variation of NRXN1 can cause autosomal recessive Pitt-Hopkins-like syndrome-2 (OMIM 614325). Additionally, heterozygous deletion of NRXN1 has been reported in patients with a wide spectrum of developmental and neuropsychiatric disorders, including intellectual disability, autism spectrum disorders, hypotonia and epilepsy, and disorders of speech and verbal expression. While some deletions occurred de novo/segregated with disease in families, others were inherited from asymptomatic parents, suggesting reduced penetrance and variable expressivity. Despite this, and the occurrence of NRXN1 deletions in the general populations of the Database of Genomic Variants, a recent study suggests partial deletions near the 5' end have a higher penetrance for expression of neurodevelopmental phenotypes compared to those at the 3' end (Lowther et al. Genet Med. 2017 Jan;19(1):53-61. PMID: 27195815). Thus, the clinical significance of this copy number variant (CNV) is pathogenic.

GRCh37/hg19 2p16.3(chr2:51009232-51492867)x1

Gene: NRXN1 (neurexin 1; minus strand). Cytogenetic location: 2p16.3.
Variant type: copy number loss.
Change: copy number 1 (one copy instead of two) of chr2:51,009,232-51,492,867 (483.6 kb, GRCh37 coordinates, 1-based), cytogenetic band 2p16.3.
Identifiers: ClinVar variation 1808660 (VCV001808660.1).